The following is an entry in ClinVar:

ClinVar aggregate classification (germline): Uncertain significance (1 of 4 stars; one submission).

Allele frequency attached by ClinVar (database versions not stated): gnomAD 0.00001; TOPMed 0.00001; gnomAD exomes 0.00002.
gnomAD v4.1: 24 of 1,563,282 alleles (0.0015%); highest among the groups gnomAD compares: South Asian, 0.0035%; no homozygotes.

Submission:

Labcorp Genetics (formerly Invitae), Labcorp
Classification: Uncertain significance. Last evaluated: 2023-08-04. Review status: criteria provided, single submitter. Criteria: Invitae Variant Classification Sherloc (09022015). Collection method: clinical testing. Allele origin: germline.
Comment: ClinVar contains an entry for this variant (Variation ID: 1394110). Advanced modeling of protein sequence and biophysical properties (such as structural, functional, and spatial information, amino acid conservation, physicochemical variation, residue mobility, and thermodynamic stability) performed at Invitae indicates that this missense variant is not expected to disrupt ABCC6 protein function. In summary, the available evidence is currently insufficient to determine the role of this variant in disease. Therefore, it has been classified as a Variant of Uncertain Significance. This variant has not been reported in the literature in individuals affected with ABCC6-related conditions. This sequence change replaces valine, which is neutral and non-polar, with methionine, which is neutral and non-polar, at codon 942 of the ABCC6 protein (p.Val942Met). This variant is not present in population databases (gnomAD no frequency).

NM_001171.6(ABCC6):c.2824G>A (p.Val942Met)

Gene: ABCC6 (ATP binding cassette subfamily C member 6; minus strand). Cytogenetic location: 16p13.11.
Variant type: single nucleotide variant.
Coding change: c.2824G>A on transcript NM_001171.6 (MANE Select); coding-DNA position 2824, G replaced by A.
Protein change: p.Val942Met; replaces valine 942 with methionine.
Molecular consequence: missense variant. On other transcripts: non-coding transcript variant (1).
Genome position (GRCh38, 1-based): chr16:16,169,817, C>T on the plus strand (G>A on the coding strand, the complement: ABCC6 is on the minus strand). VCF-style: chr16-16169817-C-T. GRCh37 (hg19) VCF-style: chr16-16263674-C-T.
Other names: c.2482G>A, p.Val828Met (NM_001351800.1); short protein forms V942M, V828M.
Identifiers: ClinVar variation 1394110 (VCV001394110.7), dbSNP rs375592383, ClinGen allele CA7925773.